The following is an entry in ClinVar:

NM_001098.3(ACO2):c.1789A>G (p.Ile597Val)

Genes: ACO2 (aconitase 2; plus strand), POLR3H (RNA polymerase III subunit H; minus strand). Cytogenetic location: 22q13.2.
Variant type: single nucleotide variant.
Coding change: c.1789A>G on transcript NM_001098.3 (MANE Select); coding-DNA position 1789, A replaced by G.
Protein change: p.Ile597Val; replaces isoleucine 597 with valine.
Molecular consequence: missense variant. On other transcripts: 3 prime UTR variant (5).
Genome position (GRCh38, 1-based): chr22:41,526,289, A>G. VCF-style: chr22-41526289-A-G. GRCh37 (hg19) VCF-style: chr22-41922293-A-G.
Other names: c.*2994T>C (NM_001018050.4, NM_001018052.4, NM_001282884.2 and 2 more transcripts); short protein forms I597V.
Identifiers: ClinVar variation 1511954 (VCV001511954.8), dbSNP rs2146144200, ClinGen allele CA411728241.

ClinVar aggregate classification (germline): Uncertain significance (1 of 4 stars; one submission).

Submission:

Labcorp Genetics (formerly Invitae), Labcorp
Classification: Uncertain significance. Last evaluated: 2022-07-25. Review status: criteria provided, single submitter. Criteria: Invitae Variant Classification Sherloc (09022015). Collection method: clinical testing. Allele origin: germline.
Comment: In summary, the available evidence is currently insufficient to determine the role of this variant in disease. Therefore, it has been classified as a Variant of Uncertain Significance. Advanced modeling of protein sequence and biophysical properties (such as structural, functional, and spatial information, amino acid conservation, physicochemical variation, residue mobility, and thermodynamic stability) performed at Invitae indicates that this missense variant is expected to disrupt ACO2 protein function. ClinVar contains an entry for this variant (Variation ID: 1511954). This variant has not been reported in the literature in individuals affected with ACO2-related conditions. This variant is not present in population databases (gnomAD no frequency). This sequence change replaces isoleucine, which is neutral and non-polar, with valine, which is neutral and non-polar, at codon 597 of the ACO2 protein (p.Ile597Val).